The following is an entry in ClinVar:

NM_001161352.2(KCNMA1):c.1822A>G (p.Ser608Gly)

Gene: KCNMA1 (potassium calcium-activated channel subfamily M alpha 1; minus strand). Cytogenetic location: 10q22.3.
Variant type: single nucleotide variant.
Coding change: c.1822A>G on transcript NM_001161352.2 (MANE Select); coding-DNA position 1822, A replaced by G.
Protein change: p.Ser608Gly; replaces serine 608 with glycine.
Molecular consequence: missense variant.
Genome position (GRCh38, 1-based): chr10:77,039,565, T>C on the plus strand (A>G on the coding strand, the complement: KCNMA1 is on the minus strand). VCF-style: chr10-77039565-T-C. GRCh37 (hg19) VCF-style: chr10-78799323-T-C.
Other names: c.1822A>G, p.Ser608Gly (NM_001014797.3, NM_001161353.2, NM_001271519.2 and 7 more transcripts); c.1660A>G, p.Ser554Gly (NM_001271518.2); c.1282A>G, p.Ser428Gly (NM_001322838.2); c.1822A>G (NM_002247.3); short protein forms S554G, S428G, S608G.
Identifiers: ClinVar variation 1390435 (VCV001390435.11), dbSNP rs760442123, ClinGen allele CA5568341.

ClinVar aggregate classification (germline): Uncertain significance. Review status: criteria provided, multiple submitters, no conflicts (2 of 4 stars). 5 submissions from 5 submitters: Uncertain significance (5). Last evaluated 2025-01-31.

Conditions:
Generalized epilepsy-paroxysmal dyskinesia syndrome (PNKD3). Also called: Paroxysmal nonkinesigenic dyskinesia, 3, with or without generalized epilepsy; Generalized epilepsy and paroxysmal dyskinesia. Identifiers: Orphanet 79137, MedGen C5574945, MONDO:0012276, OMIM 609446.
Inborn genetic diseases. Identifiers: MedGen C0950123, MeSH D030342.

Allele frequency attached by ClinVar (database versions not stated): ExAC 0.00001; gnomAD 0.00001; gnomAD exomes 0.00001; TOPMed 0.00001.
gnomAD v4.1: 9 of 1,611,858 alleles (0.00056%); highest among the groups gnomAD compares: Non-Finnish European, 0.00076%; no homozygotes.

Submissions (5):

GeneDx
Classification: Uncertain significance. Last evaluated: 2025-01-31. Review status: criteria provided, single submitter. Criteria: GeneDx Variant Classification Process June 2021. Collection method: clinical testing. Allele origin: germline. Affected: yes.
Comment: Not observed at significant frequency in large population cohorts (gnomAD); In silico analysis indicates that this missense variant does not alter protein structure/function; Has not been previously published as pathogenic or benign to our knowledge

Ambry Genetics
Classification: Uncertain significance for Inborn genetic diseases. Last evaluated: 2024-10-01. Review status: criteria provided, single submitter. Criteria: Ambry Variant Classification Scheme 2023. Collection method: clinical testing. Allele origin: germline.

Blueprint Genetics
Classification: Uncertain significance. Last evaluated: 2022-04-20. Review status: criteria provided, single submitter. Criteria: ACMG Guidelines, 2015. Collection method: clinical testing. Allele origin: germline.

Revvity Omics, Revvity
Classification: Uncertain significance. Last evaluated: 2022-03-30. Review status: criteria provided, single submitter. Criteria: ACMG Guidelines, 2015. Collection method: clinical testing. Allele origin: germline.

Labcorp Genetics (formerly Invitae), Labcorp
Classification: Uncertain significance for Generalized epilepsy-paroxysmal dyskinesia syndrome. Last evaluated: 2022-02-09. Review status: criteria provided, single submitter. Criteria: Invitae Variant Classification Sherloc (09022015). Collection method: clinical testing. Allele origin: germline.
Comment: This sequence change replaces serine, which is neutral and polar, with glycine, which is neutral and non-polar, at codon 608 of the KCNMA1 protein (p.Ser608Gly). This variant is present in population databases (rs760442123, gnomAD 0.0009%). This variant has not been reported in the literature in individuals affected with KCNMA1-related conditions. Algorithms developed to predict the effect of missense changes on protein structure and function are either unavailable or do not agree on the potential impact of this missense change (SIFT: "Tolerated"; PolyPhen-2: "Possibly Damaging"; Align-GVGD: "Class C0"). In summary, the available evidence is currently insufficient to determine the role of this variant in disease. Therefore, it has been classified as a Variant of Uncertain Significance.